The following is an entry in ClinVar:

ClinVar aggregate classification (germline): Uncertain significance. Review status: criteria provided, multiple submitters, no conflicts (2 of 4 stars). 3 submissions from 3 submitters: Uncertain significance (3). Last evaluated 2025-11-18.

Conditions:
Immunodeficiency and Autoimmune Enterocolopathy.
Immunodeficiency. Identifiers: MedGen C0021051, MONDO:0021094, HP:0002721.

Allele frequency attached by ClinVar (database versions not stated): gnomAD exomes below 0.00001 and 0.00001; ExAC 0.00001; gnomAD 0.00001; TOPMed 0.00005.

Submissions (3):

Labcorp Genetics (formerly Invitae), Labcorp
Classification: Uncertain significance for Immunodeficiency. Last evaluated: 2025-11-18. Review status: criteria provided, single submitter. Criteria: Invitae Variant Classification Sherloc (09022015). Collection method: clinical testing. Allele origin: germline.
Comment: This sequence change replaces valine, which is neutral and non-polar, with alanine, which is neutral and non-polar, at codon 406 of the NFAT5 protein (p.Val406Ala). This variant is present in population databases (rs747215016, gnomAD 0.003%). This variant has not been reported in the literature in individuals affected with NFAT5-related conditions. ClinVar contains an entry for this variant (Variation ID: 1015116). An algorithm developed to predict the effect of missense changes on protein structure and function (PolyPhen-2) suggests that this variant is likely to be tolerated. In summary, the available evidence is currently insufficient to determine the role of this variant in disease. Therefore, it has been classified as a Variant of Uncertain Significance.

Ambry Genetics
Classification: Uncertain significance. Last evaluated: 2023-03-02. Review status: criteria provided, single submitter. Criteria: Ambry Variant Classification Scheme 2023. Collection method: clinical testing. Allele origin: germline.

New York Genome Center
Classification: Uncertain significance for Immunodeficiency and Autoimmune Enterocolopathy. Last evaluated: 2021-07-23. Review status: criteria provided, single submitter. Criteria: NYGC Assertion Criteria 2020. Collection method: clinical testing. Allele origin: inherited. Observed: 1 heterozygote. Study: CSER-NYCKidSeq.

NM_138713.4(NFAT5):c.1499T>C (p.Val500Ala)

Gene: NFAT5 (nuclear factor of activated T cells 5; plus strand). Cytogenetic location: 16q22.1.
Variant type: single nucleotide variant.
Coding change: c.1499T>C on transcript NM_138713.4 (MANE Select); coding-DNA position 1499, T replaced by C.
Protein change: p.Val500Ala; replaces valine 500 with alanine.
Molecular consequence: missense variant.
Genome position (GRCh38, 1-based): chr16:69,670,106, T>C. VCF-style: chr16-69670106-T-C. GRCh37 (hg19) VCF-style: chr16-69704009-T-C.
Other names: c.1499T>C (NM_138713.3); c.1499T>C, p.Val500Ala (NM_001113178.3); c.827T>C, p.Val276Ala (NM_001367709.1); c.1445T>C, p.Val482Ala (NM_006599.4); c.1217T>C, p.Val406Ala (NM_138714.4, NM_173214.3, NM_173215.3); short protein forms V276A, V406A, V482A, V500A.
Identifiers: ClinVar variation 1015116 (VCV001015116.11), dbSNP rs747215016, ClinGen allele CA8135549.
Genomic context (GRCh38, chr16:69,670,106, plus strand): 5'-AAGTGTTTTTAATCGGCAAGAACTTTCTGAAAGGAACTAAAGTTATTTTCCAAGAAAATG[T>C]TTCTGGTAAGTACGCATATTTGTGGTACAGATATTTGTATGTTTTCACTTTGTTATATGG-3'
Protein context (NP_619727.2, residues 490-510): KGTKVIFQEN[Val500Ala]SDENSWKSEA